The following is an entry in ClinVar:

ClinVar aggregate classification (germline): Uncertain significance (1 of 4 stars; one submission).

Conditions:
Generalized epilepsy with febrile seizures plus, type 7 (GEFSP7). Also called: GEFS+, TYPE 7. Identifiers: Orphanet 36387, MedGen C2751778, MONDO:0013470, OMIM 613863.
Neuropathy, hereditary sensory and autonomic, type 2A (HSAN2A). Also called: MORVAN DISEASE; NEUROPATHY, CONGENITAL SENSORY; NEUROPATHY, HEREDITARY SENSORY RADICULAR, AUTOSOMAL RECESSIVE; NEUROPATHY, HEREDITARY SENSORY, TYPE IIA; NEUROPATHY, PROGRESSIVE SENSORY, OF CHILDREN; HSAN IIA. Identifiers: Orphanet 970, MedGen C2752089, MONDO:0024309, OMIM 201300.

Submission:

Labcorp Genetics (formerly Invitae), Labcorp
Classification: Uncertain significance for Neuropathy, hereditary sensory and autonomic, type 2A; Generalized epilepsy with febrile seizures plus, type 7. Last evaluated: 2024-11-18. Review status: criteria provided, single submitter. Criteria: Invitae Variant Classification Sherloc (09022015). Collection method: clinical testing. Allele origin: germline.
Comment: This sequence change replaces alanine, which is neutral and non-polar, with proline, which is neutral and non-polar, at codon 1002 of the SCN9A protein (p.Ala1002Pro). This variant is not present in population databases (gnomAD no frequency). This variant has not been reported in the literature in individuals affected with SCN9A-related conditions. Invitae Evidence Modeling of protein sequence and biophysical properties (such as structural, functional, and spatial information, amino acid conservation, physicochemical variation, residue mobility, and thermodynamic stability) indicates that this missense variant is not expected to disrupt SCN9A protein function with a negative predictive value of 95%. In summary, the available evidence is currently insufficient to determine the role of this variant in disease. Therefore, it has been classified as a Variant of Uncertain Significance.

NM_001365536.1(SCN9A):c.3037G>C (p.Ala1013Pro)

Genes: SCN9A (sodium voltage-gated channel alpha subunit 9; minus strand), SCN1A-AS1 (SCN1A and SCN9A antisense RNA 1; plus strand). Cytogenetic location: 2q24.3.
Variant type: single nucleotide variant.
Coding change: c.3037G>C on transcript NM_001365536.1 (MANE Select); coding-DNA position 3037, G replaced by C.
Protein change: p.Ala1013Pro; replaces alanine 1013 with proline.
Molecular consequence: missense variant.
Genome position (GRCh38, 1-based): chr2:166,272,713, C>G on the plus strand (G>C on the coding strand, the complement: SCN9A is on the minus strand). VCF-style: chr2-166272713-C-G. GRCh37 (hg19) VCF-style: chr2-167129223-C-G.
Other names: c.3004G>C, p.Ala1002Pro (NM_002977.4); short protein forms A1002P, A1013P.
Identifiers: ClinVar variation 3748276 (VCV003748276.2).